The following is an entry in ClinVar:

ClinVar aggregate classification (germline): Likely benign. Review status: criteria provided, multiple submitters, no conflicts (2 of 4 stars). 5 submissions from 5 submitters: Likely benign (4). 1 of the submissions does not count toward it. Last evaluated 2026-01-24.

Conditions:
Emery-Dreifuss muscular dystrophy 5, autosomal dominant (EDMD5). Also called: EMERY-DREIFUSS MUSCULAR DYSTROPHY 5. Identifiers: Orphanet 261, MedGen C2751805, MONDO:0013072, OMIM 612999.
SYNE2-related disorder. Also called: SYNE2-related condition.

Allele frequency attached by ClinVar (database versions not stated): gnomAD exomes 0.00014 and 0.00033; ExAC 0.00040; 1000 Genomes Project 0.00100; ESP Exome Variant Server 0.00106; 1000 Genomes Project 30x 0.00125; gnomAD 0.00127 and 0.00132; TOPMed 0.00145.
gnomAD v4.1: 417 of 1,614,118 alleles (0.026%); highest among the groups gnomAD compares: African/African-American, 0.44%; 5 homozygotes.

Submissions (5):

Labcorp Genetics (formerly Invitae), Labcorp
Classification: Likely benign for Emery-Dreifuss muscular dystrophy 5, autosomal dominant. Last evaluated: 2026-01-24. Review status: criteria provided, single submitter. Criteria: Invitae Variant Classification Sherloc (09022015). Collection method: clinical testing. Allele origin: germline.

Blueprint Genetics
Classification: Likely benign. Last evaluated: 2024-07-04. Review status: criteria provided, single submitter. Criteria: ACMG Guidelines, 2015. Collection method: clinical testing. Allele origin: germline.

Athena Diagnostics
Classification: Likely benign. Last evaluated: 2019-09-25. Review status: criteria provided, single submitter. Criteria: Athena Diagnostics Criteria. Collection method: clinical testing. Allele origin: unknown.

Breakthrough Genomics
Classification: Likely benign. Review status: criteria provided, single submitter. Criteria: ACMG Guidelines, 2015. Collection method: not provided. Allele origin: germline. Inheritance: Autosomal dominant inheritance. Affected: yes.

PreventionGenetics, part of Exact Sciences
Classification: Benign for SYNE2-related condition. Last evaluated: 2021-12-29. Review status: no assertion criteria provided. Collection method: clinical testing. Allele origin: germline. Not counted in ClinVar's aggregate classification.
Comment: This variant is classified as benign based on ACMG/AMP sequence variant interpretation guidelines (Richards et al. 2015 PMID: 25741868, with internal and published modifications).

NM_182914.3(SYNE2):c.10313G>A (p.Cys3438Tyr)

Gene: SYNE2 (spectrin repeat containing nuclear envelope protein 2; plus strand). Cytogenetic location: 14q23.2.
Variant type: single nucleotide variant.
Coding change: c.10313G>A on transcript NM_182914.3 (MANE Select); coding-DNA position 10313, G replaced by A.
Protein change: p.Cys3438Tyr; replaces cysteine 3438 with tyrosine.
Molecular consequence: missense variant.
Genome position (GRCh38, 1-based): chr14:64,065,532, G>A. VCF-style: chr14-64065532-G-A. GRCh37 (hg19) VCF-style: chr14-64532250-G-A.
Other names: c.10313G>A, p.Cys3438Tyr (NM_015180.6); short protein forms C3438Y.
Identifiers: ClinVar variation 702576 (VCV000702576.15), dbSNP rs144108695, ClinGen allele CA7221478.